The following is an entry in ClinVar:

ClinVar aggregate classification (germline): Likely benign (0 of 4 stars; one submission).

Conditions:
NFXL1-related disorder. Also called: NFXL1-related condition.

Allele frequency attached by ClinVar (database versions not stated): gnomAD 0.00001; gnomAD exomes 0.00002; TOPMed 0.00003.
gnomAD v4.1: 29 of 1,552,824 alleles (0.0019%); highest among the groups gnomAD compares: Non-Finnish European, 0.0025%; no homozygotes.

Submission:

PreventionGenetics, part of Exact Sciences
Classification: Likely benign for NFXL1-related condition. Last evaluated: 2019-07-19. Review status: no assertion criteria provided. Collection method: clinical testing. Allele origin: germline.
Comment: This variant is classified as likely benign based on ACMG/AMP sequence variant interpretation guidelines (Richards et al. 2015 PMID: 25741868, with internal and published modifications).

NM_001278624.2(NFXL1):c.93C>T (p.Arg31=)

Gene: NFXL1 (nuclear transcription factor, X-box binding like 1; minus strand). Cytogenetic location: 4p12.
Variant type: single nucleotide variant.
Coding change: c.93C>T on transcript NM_001278624.2 (MANE Select); coding-DNA position 93, C replaced by T.
Protein change: p.Arg31=; no amino-acid change (arginine 31 retained).
Molecular consequence: synonymous variant. On other transcripts: non-coding transcript variant (1).
Genome position (GRCh38, 1-based): chr4:47,914,111, G>A on the plus strand (C>T on the coding strand, the complement: NFXL1 is on the minus strand). VCF-style: chr4-47914111-G-A. GRCh37 (hg19) VCF-style: chr4-47916128-G-A.
Other names: c.93C>T, p.Arg31= (NM_001278623.1, NM_152995.6).
Identifiers: ClinVar variation 3050544 (VCV003050544.2), dbSNP rs769810026, ClinGen allele CA2910937.
Genomic context (GRCh38, chr4:47,914,111, plus strand): 5'-GGGACTGGTGCCAGAAGGAACTGCGCCCACCGACCCCTTCTCTCGCCCTCCTCCGGCGCC[G>A]CGGAGATGGACTCCATTTCCTGAGGGGGCGGCAGTGGCCCGTCCCCGGGATCGGCCTCGG-3'
Protein context (NP_001265553.1, residues 21-41): AAPSGNGVHL[Arg31=]GAGGGREKGS